The following is an entry in ClinVar:

ClinVar aggregate classification (germline): Uncertain significance (1 of 4 stars; one submission).

Submission:

CeGaT Center for Human Genetics Tuebingen
Classification: Uncertain significance. Last evaluated: 2023-06-01. Review status: criteria provided, single submitter. Criteria: CeGaT Center For Human Genetics Tuebingen Variant Classification Criteria Version 2. Collection method: clinical testing. Allele origin: germline. Affected: yes. Observed: 1 variant allele.
Comment: EP300: PM2

NM_001429.4(EP300):c.6920T>C (p.Val2307Ala)

Gene: EP300 (EP300 lysine acetyltransferase; plus strand). Cytogenetic location: 22q13.2.
Variant type: single nucleotide variant.
Coding change: c.6920T>C on transcript NM_001429.4 (MANE Select); coding-DNA position 6920, T replaced by C.
Protein change: p.Val2307Ala; replaces valine 2307 with alanine.
Molecular consequence: missense variant.
Genome position (GRCh38, 1-based): chr22:41,178,631, T>C. VCF-style: chr22-41178631-T-C. GRCh37 (hg19) VCF-style: chr22-41574635-T-C.
Other names: c.6842T>C, p.Val2281Ala (NM_001362843.2); short protein forms V2281A, V2307A.
Identifiers: ClinVar variation 2653216 (VCV002653216.24), dbSNP rs766271527, ClinGen allele CA411683042.